The following is an entry in ClinVar:

ClinVar aggregate classification (germline): Uncertain significance (1 of 4 stars; one submission).

Conditions:
Platelet-type bleeding disorder 20 (BDPLT20). Identifiers: Orphanet 466806, MedGen C4310797, MONDO:0014830, OMIM 616913.

Allele frequency attached by ClinVar (database versions not stated): TOPMed 0.00001.

Submission:

ISTH-SSC Genomics in Thrombosis and Hemostasis, KU Leuven, Center for Molecular and Vascular Biology
Classification: Uncertain significance for Platelet-type bleeding disorder 20. Review status: criteria provided, single submitter. Criteria: ACMG Guidelines, 2015. Collection method: clinical testing. Allele origin: germline. Affected: yes. Observed: 1 heterozygote.
Comment: Submitted to GoldVariant by Jose María Bastida and José Rivera; Grupo Español de Alteraciones Plaquetarias Congénitas (GEAPC)

NM_001129820.2(SLFN14):c.643T>C (p.Phe215Leu)

Gene: SLFN14 (schlafen family member 14; minus strand). Cytogenetic location: 17q12.
Variant type: single nucleotide variant.
Coding change: c.643T>C on transcript NM_001129820.2 (MANE Select); coding-DNA position 643, T replaced by C.
Protein change: p.Phe215Leu; replaces phenylalanine 215 with leucine.
Molecular consequence: missense variant.
Genome position (GRCh38, 1-based): chr17:35,557,420, A>G on the plus strand (T>C on the coding strand, the complement: SLFN14 is on the minus strand). VCF-style: chr17-35557420-A-G. GRCh37 (hg19) VCF-style: chr17-33884439-A-G.
Other names: short protein forms F215L.
Identifiers: ClinVar variation 1703796 (VCV001703796.2), dbSNP rs2072663284, ClinGen allele CA399132466.